The following is an entry in ClinVar:

ClinVar aggregate classification (germline): Likely benign. Review status: reviewed by expert panel (3 of 4 stars). 2 submissions from 2 submitters: Likely benign (1). 1 of the submissions does not count toward it. Last evaluated 2025-05-02.

Conditions:
Hereditary thrombocytopenia and hematologic cancer predisposition syndrome. Identifiers: Orphanet 71290, MedGen CN281654, MONDO:0011071.
Hereditary thrombocytopenia and hematological cancer predisposition syndrome associated with RUNX1. Also called: Familial Platelet Disorder with Propensity to Acute Myelogenous Leukemia; Familial thrombocytopenia with propensity to acute myelogenous leukemia; PLATELET DISORDER, ASPIRIN-LIKE; RUNX1 Familial Platelet Disorder with Associated Myeloid Malignancies. Identifiers: Orphanet 71290, MedGen C1832388, MeSH C563324, MONDO:0100083, OMIM 601399.

gnomAD v4.1: 4 of 1,611,584 alleles (0.00025%); highest among the groups gnomAD compares: Non-Finnish European, 0.00034%; no homozygotes.

Submissions (2):

ClinGen Myeloid Malignancy Variant Curation Expert Panel
Classification: Likely benign for Hereditary thrombocytopenia and hematologic cancer predisposition syndrome. Last evaluated: 2025-05-02. Review status: reviewed by expert panel. Criteria: ClinGen MyeloMalig ACMG Specifications v2. Collection method: curation. Allele origin: germline. Inheritance: Autosomal dominant inheritance.
Comment: NM_001754.5(RUNX1):c.682C>T (p.Leu228=) is a synonymous variant which has a SpliceAI score of 0.04 and a PhyloP score of 1.87, allowing for the application of both BP4 and BP7. This variant has been detected in population databases, albeit at a low frequency. It has not been featured in functional or case studies. In summary, this variant meets criteria to be classified as likely benign. ACMG/AMP criteria applied, as specified by the Myeloid Malignancy Variant Curation Expert Panel for RUNX1: BP4, BP7.

Labcorp Genetics (formerly Invitae), Labcorp
Classification: Likely benign for Hereditary thrombocytopenia and hematological cancer predisposition syndrome associated with RUNX1. Last evaluated: 2024-12-24. Review status: criteria provided, single submitter. Criteria: Invitae Variant Classification Sherloc (09022015). Collection method: clinical testing. Allele origin: germline. Not counted in ClinVar's aggregate classification.

NM_001754.5(RUNX1):c.682C>T (p.Leu228=)

Gene: RUNX1 (RUNX family transcription factor 1; minus strand). Cytogenetic location: 21q22.12.
Variant type: single nucleotide variant.
Coding change: c.682C>T on transcript NM_001754.5 (MANE Select); coding-DNA position 682, C replaced by T.
Protein change: p.Leu228=; no amino-acid change (leucine 228 retained).
Molecular consequence: synonymous variant.
Genome position (GRCh38, 1-based): chr21:34,834,533, G>A on the plus strand (C>T on the coding strand, the complement: RUNX1 is on the minus strand). VCF-style: chr21-34834533-G-A. GRCh37 (hg19) VCF-style: chr21-36206830-G-A.
Other names: NM_001754.5(RUNX1):c.682C>T; p.Leu228=; c.601C>T, p.Leu201= (NM_001001890.3, NM_001122607.2).
Identifiers: ClinVar variation 3706528 (VCV003706528.3).